The following is an entry in ClinVar:

ClinVar aggregate classification (germline): Uncertain significance (1 of 4 stars; one submission).

Conditions:
Acyl-CoA oxidase deficiency. Also called: STRAIGHT-CHAIN ACYL-CoA OXIDASE DEFICIENCY; Pseudoneonatal adrenoleukodystrophy; Peroxisomal acyl-CoA oxidase deficiency. Identifiers: Orphanet 2971, MedGen C1849678, MONDO:0009919, OMIM 264470. Disease mechanism: loss of function.

gnomAD v4.1: 3 of 1,614,066 alleles (0.00019%); highest among the groups gnomAD compares: Non-Finnish European, 0.00025%; no homozygotes.

Submission:

Labcorp Genetics (formerly Invitae), Labcorp
Classification: Uncertain significance for Acyl-CoA oxidase deficiency. Last evaluated: 2024-08-28. Review status: criteria provided, single submitter. Criteria: Invitae Variant Classification Sherloc (09022015). Collection method: clinical testing. Allele origin: germline.
Comment: This sequence change replaces proline, which is neutral and non-polar, with serine, which is neutral and polar, at codon 480 of the ACOX1 protein (p.Pro480Ser). This variant is not present in population databases (gnomAD no frequency). This variant has not been reported in the literature in individuals affected with ACOX1-related conditions. Invitae Evidence Modeling of protein sequence and biophysical properties (such as structural, functional, and spatial information, amino acid conservation, physicochemical variation, residue mobility, and thermodynamic stability) indicates that this missense variant is not expected to disrupt ACOX1 protein function with a negative predictive value of 80%. In summary, the available evidence is currently insufficient to determine the role of this variant in disease. Therefore, it has been classified as a Variant of Uncertain Significance.

NM_004035.7(ACOX1):c.1438C>T (p.Pro480Ser)

Gene: ACOX1 (acyl-CoA oxidase 1; minus strand). Cytogenetic location: 17q25.1.
Variant type: single nucleotide variant.
Coding change: c.1438C>T on transcript NM_004035.7 (MANE Select); coding-DNA position 1438, C replaced by T.
Protein change: p.Pro480Ser; replaces proline 480 with serine.
Molecular consequence: missense variant.
Genome position (GRCh38, 1-based): chr17:75,949,758, G>A on the plus strand (C>T on the coding strand, the complement: ACOX1 is on the minus strand). VCF-style: chr17-75949758-G-A. GRCh37 (hg19) VCF-style: chr17-73945839-G-A.
Other names: c.1324C>T, p.Pro442Ser (NM_001185039.2); c.1438C>T, p.Pro480Ser (NM_007292.6); short protein forms P480S, P442S.
Identifiers: ClinVar variation 3643320 (VCV003643320.2).